The following is an entry in ClinVar:

ClinVar aggregate classification (germline): Uncertain significance (1 of 4 stars; one submission).

Conditions:
Early-infantile DEE. Also called: Ohtahara syndrome; Early infantile epileptic encephalopathy with suppression bursts; Early infantile epileptic encephalopathy. Identifiers: Orphanet 1934, MedGen C0393706, MONDO:0800491.

Submission:

Labcorp Genetics (formerly Invitae), Labcorp
Classification: Uncertain significance for Early-infantile DEE. Last evaluated: 2021-05-20. Review status: criteria provided, single submitter. Criteria: Invitae Variant Classification Sherloc (09022015). Collection method: clinical testing. Allele origin: germline.
Comment: In summary, the available evidence is currently insufficient to determine the role of this variant in disease. Therefore, it has been classified as a Variant of Uncertain Significance. Advanced modeling of protein sequence and biophysical properties (such as structural, functional, and spatial information, amino acid conservation, physicochemical variation, residue mobility, and thermodynamic stability) performed at Invitae indicates that this missense variant is expected to disrupt SCN1A protein function. This variant has not been reported in the literature in individuals with SCN1A-related conditions. This variant is not present in population databases (ExAC no frequency). This sequence change replaces methionine with threonine at codon 1665 of the SCN1A protein (p.Met1665Thr). The methionine residue is highly conserved and there is a moderate physicochemical difference between methionine and threonine.

NM_001165963.4(SCN1A):c.4994T>C (p.Met1665Thr)

Genes: SCN1A (sodium voltage-gated channel alpha subunit 1; minus strand), LOC102724058 (uncharacterized LOC102724058; plus strand). Cytogenetic location: 2q24.3.
Variant type: single nucleotide variant.
Coding change: c.4994T>C on transcript NM_001165963.4 (MANE Select); coding-DNA position 4994, T replaced by C.
Protein change: p.Met1665Thr; replaces methionine 1665 with threonine.
Molecular consequence: missense variant. On other transcripts: non-coding transcript variant (1).
Genome position (GRCh38, 1-based): chr2:165,992,281, A>G on the plus strand (T>C on the coding strand, the complement: SCN1A is on the minus strand). VCF-style: chr2-165992281-A-G. GRCh37 (hg19) VCF-style: chr2-166848791-A-G.
Other names: c.4910T>C, p.Met1637Thr (NM_001165964.3, NM_001353957.2, NM_001353958.2); c.4994T>C, p.Met1665Thr (NM_001202435.3, NM_001353948.2); c.4961T>C, p.Met1654Thr (NM_001353949.2, NM_001353950.2, NM_001353951.2 and 2 more transcripts); c.4958T>C, p.Met1653Thr (NM_001353954.2, NM_001353955.2); c.4907T>C, p.Met1636Thr (NM_001353960.2); c.2552T>C, p.Met851Thr (NM_001353961.2); short protein forms M1653T, M851T, M1636T, M1637T, M1654T, M1665T.
Identifiers: ClinVar variation 1477591 (VCV001477591.9), dbSNP rs2105433922, ClinGen allele CA349069821.
Genomic context (GRCh38, chr2:165,992,281, plus strand): 5'-GCGTAGATGAACATGACTAGGAAGAGTAGGAGGCCGATGTTAAACAACGCAGGAAGGGAC[A>G]TCATCAAAGCAAAGAGCAGCGTGCGGATCCCCTTTGCTCCTTTGATCAGACGTAGGATTC-3'
Protein context (NP_001159435.1, residues 1655-1675): GIRTLLFALM[Met1665Thr]SLPALFNIGL